The following is an entry in ClinVar:

NM_017763.6(RNF43):c.1147A>G (p.Met383Val)

Gene: RNF43 (ring finger protein 43; minus strand). Cytogenetic location: 17q22.
Variant type: single nucleotide variant.
Coding change: c.1147A>G on transcript NM_017763.6 (MANE Select); coding-DNA position 1147, A replaced by G.
Protein change: p.Met383Val; replaces methionine 383 with valine.
Molecular consequence: missense variant.
Genome position (GRCh38, 1-based): chr17:58,358,629, T>C on the plus strand (A>G on the coding strand, the complement: RNF43 is on the minus strand). VCF-style: chr17-58358629-T-C. GRCh37 (hg19) VCF-style: chr17-56435990-T-C.
Other names: c.1147A>G, p.Met383Val (NM_001438821.1, NM_001438822.1, NM_001305544.3 and 1 more transcripts); c.766A>G, p.Met256Val (NM_001305545.2, NM_001437987.1); short protein forms M383V, M256V.
Identifiers: ClinVar variation 4155817 (VCV004155817.1).

ClinVar aggregate classification (germline): Uncertain significance (1 of 4 stars; one submission).

gnomAD v4.1: 6 of 1,545,768 alleles (0.00039%); highest among the groups gnomAD compares: Non-Finnish European, 0.00044%; no homozygotes.

Submission:

Ambry Genetics
Classification: Uncertain significance. Last evaluated: 2025-09-13. Review status: criteria provided, single submitter. Criteria: Ambry Variant Classification Scheme 2023. Collection method: clinical testing. Allele origin: germline.
Comment: The p.M383V variant (also known as c.1147A>G), located in coding exon 8 of the RNF43 gene, results from an A to G substitution at nucleotide position 1147. The methionine at codon 383 is replaced by valine, an amino acid with highly similar properties. This amino acid position is conserved. In addition, this alteration is predicted to be tolerated by in silico analysis. Based on the available evidence, the clinical significance of this variant remains unclear.